The following is an entry in ClinVar:

NM_004366.6(CLCN2):c.2674G>A (p.Asp892Asn)

Gene: CLCN2 (chloride voltage-gated channel 2; minus strand). Cytogenetic location: 3q27.1.
Variant type: single nucleotide variant.
Coding change: c.2674G>A on transcript NM_004366.6 (MANE Select); coding-DNA position 2674, G replaced by A.
Protein change: p.Asp892Asn; replaces aspartic acid 892 with asparagine.
Molecular consequence: missense variant.
Genome position (GRCh38, 1-based): chr3:184,346,629, C>T on the plus strand (G>A on the coding strand, the complement: CLCN2 is on the minus strand). VCF-style: chr3-184346629-C-T. GRCh37 (hg19) VCF-style: chr3-184064417-C-T.
Other names: c.2623G>A, p.Asp875Asn (NM_001171087.3); c.2542G>A, p.Asp848Asn (NM_001171088.3); c.2587G>A, p.Asp863Asn (NM_001171089.3); short protein forms D875N, D848N, D863N, D892N.
Identifiers: ClinVar variation 1372618 (VCV001372618.8), dbSNP rs371779951, ClinGen allele CA2733611.

ClinVar aggregate classification (germline): Uncertain significance (1 of 4 stars; one submission).

Allele frequency attached by ClinVar (database versions not stated): gnomAD exomes 0.00003 and 0.00006; ExAC 0.00005; gnomAD 0.00005 and 0.00006; TOPMed 0.00005; ESP Exome Variant Server 0.00008.
gnomAD v4.1: 47 of 1,614,062 alleles (0.0029%); highest among the groups gnomAD compares: South Asian, 0.016%; no homozygotes.

Submission:

Labcorp Genetics (formerly Invitae), Labcorp
Classification: Uncertain significance. Last evaluated: 2025-02-10. Review status: criteria provided, single submitter. Criteria: Invitae Variant Classification Sherloc (09022015). Collection method: clinical testing. Allele origin: germline.
Comment: This sequence change replaces aspartic acid, which is acidic and polar, with asparagine, which is neutral and polar, at codon 892 of the CLCN2 protein (p.Asp892Asn). This variant is present in population databases (rs371779951, gnomAD 0.03%). This variant has not been reported in the literature in individuals affected with CLCN2-related conditions. ClinVar contains an entry for this variant (Variation ID: 1372618). Invitae Evidence Modeling of protein sequence and biophysical properties (such as structural, functional, and spatial information, amino acid conservation, physicochemical variation, residue mobility, and thermodynamic stability) indicates that this missense variant is not expected to disrupt CLCN2 protein function with a negative predictive value of 95%. In summary, the available evidence is currently insufficient to determine the role of this variant in disease. Therefore, it has been classified as a Variant of Uncertain Significance.